The following is an entry in ClinVar:

ClinVar aggregate classification (germline): Pathogenic (1 of 4 stars; one submission).

Conditions:
LAMB2-related infantile-onset nephrotic syndrome. Also called: NEPHROTIC SYNDROME, TYPE 5, WITHOUT OCULAR ABNORMALITIES; NEPHROTIC SYNDROME, TYPE 5, WITH OCULAR ABNORMALITIES; Nephrotic Syndrome, type 5. Identifiers: Orphanet 306507, MedGen C3280113, MONDO:0013621, OMIM 614199.
Pierson syndrome. Also called: MICROCORIA-CONGENITAL NEPHROTIC SYNDROME. Identifiers: Orphanet 2670, MedGen C1836876, MONDO:0012184, OMIM 609049.

Submission:

Labcorp Genetics (formerly Invitae), Labcorp
Classification: Pathogenic for LAMB2-related infantile-onset nephrotic syndrome; Pierson syndrome. Last evaluated: 2022-08-21. Review status: criteria provided, single submitter. Criteria: Invitae Variant Classification Sherloc (09022015). Collection method: clinical testing. Allele origin: germline.
Comment: For these reasons, this variant has been classified as Pathogenic. Algorithms developed to predict the effect of sequence changes on RNA splicing suggest that this variant may disrupt the consensus splice site. Disruption of this splice site has been observed in individual(s) with clinical features of congenital nephrotic syndrome (Invitae). In at least one individual the data is consistent with being in trans (on the opposite chromosome) from a pathogenic variant. This variant is not present in population databases (gnomAD no frequency). This sequence change affects a donor splice site in intron 15 of the LAMB2 gene. It is expected to disrupt RNA splicing. Variants that disrupt the donor or acceptor splice site typically lead to a loss of protein function (PMID: 16199547), and loss-of-function variants in LAMB2 are known to be pathogenic (PMID: 15367484).

Literature cited by the submitters: PubMed 16199547; PubMed 15367484.

NM_002292.4(LAMB2):c.2018+2T>C

Gene: LAMB2 (laminin subunit beta 2; minus strand). Cytogenetic location: 3p21.31.
Variant type: single nucleotide variant.
Coding change: c.2018+2T>C on transcript NM_002292.4 (MANE Select); the canonical splice donor site of the intron after coding-DNA position 2018, T replaced by C.
Molecular consequence: splice donor variant.
Genome position (GRCh38, 1-based): chr3:49,128,456, A>G on the plus strand (T>C on the coding strand, the complement: LAMB2 is on the minus strand). VCF-style: chr3-49128456-A-G. GRCh37 (hg19) VCF-style: chr3-49165889-A-G.
Identifiers: ClinVar variation 2115551 (VCV002115551.4), dbSNP rs2472548507, ClinGen allele CA352730756.